The following is an entry in ClinVar:

NM_024642.5(GALNT12):c.732-17G>A

Gene: GALNT12 (polypeptide N-acetylgalactosaminyltransferase 12; plus strand). Cytogenetic location: 9q22.33.
Variant type: single nucleotide variant.
Coding change: c.732-17G>A on transcript NM_024642.5 (MANE Select); 17 bases into the intron before coding-DNA position 732, G replaced by A.
Molecular consequence: intron variant.
Genome position (GRCh38, 1-based): chr9:98,831,755, G>A. VCF-style: chr9-98831755-G-A. GRCh37 (hg19) VCF-style: chr9-101594037-G-A.
Identifiers: ClinVar variation 5042141 (VCV005042141.1).

ClinVar aggregate classification (germline): Likely benign (1 of 4 stars; one submission).

Conditions:
Colorectal cancer, susceptibility to, 1. Also called: COLORECTAL ADENOMA AND CANCER, SUSCEPTIBILITY TO; COLORECTAL CANCER, SUSCEPTIBILITY TO, ON CHROMOSOME 9. Identifiers: MedGen C1837315, MONDO:0012132, OMIM 608812.

gnomAD v4.1: 1 of 1,614,166 alleles (0.000062%); highest among the groups gnomAD compares: Non-Finnish European, 0.000085%; no homozygotes.

Submission:

Myriad Genetics, Inc.
Classification: Likely benign for Colorectal cancer, susceptibility to, 1. Last evaluated: 2026-09-11. Review status: criteria provided, single submitter. Criteria: Myriad Autosomal Dominant, Autosomal Recessive and X-Linked Classification Criteria (2023). Collection method: clinical testing. Allele origin: unknown.
Comment: This variant is considered likely benign. This variant is intronic and is not expected to impact mRNA splicing.